The following is an entry in ClinVar:

NM_001374828.1(ARID1B):c.6144_6148del (p.Ser2048fs)

Gene: ARID1B (AT-rich interaction domain 1B; plus strand). Cytogenetic location: 6q25.3.
Variant type: Deletion.
Coding change: c.6144_6148del on transcript NM_001374828.1 (MANE Select); coding-DNA positions 6144 to 6148, 5 bases deleted (CCGAG; older notation c.6144_6148delCCGAG).
Protein change: p.Ser2048fs; shifts the reading frame from serine 2048.
Molecular consequence: frameshift variant.
Genome position (GRCh38, 1-based): chr6:157,206,916-157,206,920, CCGAG deleted; deleting any 5 consecutive bases within chr6:157,206,913-157,206,920 gives the same sequence; the c. name uses the placement nearest the transcript's 3' end. VCF-style (leftmost placement, unchanged base first): chr6-157206912-GGAGCC-G. GRCh37 (hg19) VCF-style: chr6-157528046-GGAGCC-G.
Other names: c.5775_5779delCCGAG (NM_020732.3); c.3645_3649del, p.Ser1215fs (NM_001363725.2); c.6024_6028del, p.Ser2008fs (NM_001371656.1, NM_001374820.1); c.5985_5989del, p.Ser1995fs (NM_017519.3); short protein forms S1995fs, S2008fs, S1215fs, S2048fs.
Identifiers: ClinVar variation 818083 (VCV000818083.1), dbSNP rs1583515557, ClinGen allele CA915944789.

ClinVar aggregate classification (germline): Pathogenic (1 of 4 stars; one submission).

Submission:

GeneDx
Classification: Pathogenic. Last evaluated: 2019-09-24. Review status: criteria provided, single submitter. Criteria: GeneDx Variant Classification (06012015). Collection method: clinical testing. Allele origin: germline. Affected: yes.
Comment: Frameshift variant in the C-terminus predicted to result in protein truncation, as the last 325 amino acids are lost and replaced with 16 incorrect amino acids; Not observed in large population cohorts (Lek et al., 2016); Has not been previously published as pathogenic or benign to our knowledge